The following is an entry in ClinVar:

NM_001085458.2(CTNND1):c.1451C>G (p.Ser484Ter)

Genes: CTNND1 (catenin delta 1; plus strand), TMX2-CTNND1 (TMX2-CTNND1 readthrough (NMD candidate); plus strand). Cytogenetic location: 11q12.1.
Variant type: single nucleotide variant.
Coding change: c.1451C>G on transcript NM_001085458.2 (MANE Select); coding-DNA position 1451, C replaced by G.
Protein change: p.Ser484Ter; replaces serine 484 with a stop codon.
Molecular consequence: nonsense. On other transcripts: non-coding transcript variant (1).
Genome position (GRCh38, 1-based): chr11:57,803,651, C>G. VCF-style: chr11-57803651-C-G. GRCh37 (hg19) VCF-style: chr11-57571123-C-G.
Other names: c.1451C>G, p.Ser484Ter (NM_001085459.2, NM_001085460.2, NM_001085461.2 and 3 more transcripts); c.1148C>G, p.Ser383Ter (NM_001085463.2, NM_001085464.2, NM_001085465.2 and 5 more transcripts); c.1289C>G, p.Ser430Ter (NM_001206883.2, NM_001206884.2, NM_001206886.2 and 4 more transcripts); short protein forms S383*, S430*, S484*.
Identifiers: ClinVar variation 1801206 (VCV001801206.1), dbSNP rs2497403760, ClinGen allele CA380727002.

ClinVar aggregate classification (germline): Pathogenic (1 of 4 stars; one submission).

Submission:

GeneDx
Classification: Pathogenic. Last evaluated: 2022-05-23. Review status: criteria provided, single submitter. Criteria: GeneDx Variant Classification Process June 2021. Collection method: clinical testing. Allele origin: germline. Affected: yes.
Comment: Nonsense variant predicted to result in protein truncation or nonsense mediated decay in a gene for which loss of function is a known mechanism of disease; Not observed at significant frequency in large population cohorts (gnomAD); Has not been previously published as pathogenic or benign to our knowledge